The following is an entry in ClinVar:

NM_001367624.2(ZNF469):c.20G>A (p.Arg7Gln)

Gene: ZNF469 (zinc finger protein 469; plus strand). Cytogenetic location: 16q24.2.
Variant type: single nucleotide variant.
Coding change: c.20G>A on transcript NM_001367624.2 (MANE Select); coding-DNA position 20, G replaced by A.
Protein change: p.Arg7Gln; replaces arginine 7 with glutamine.
Molecular consequence: missense variant.
Genome position (GRCh38, 1-based): chr16:88,427,490, G>A. VCF-style: chr16-88427490-G-A. GRCh37 (hg19) VCF-style: chr16-88493898-G-A.
Other names: short protein forms R7Q.
Identifiers: ClinVar variation 2420303 (VCV002420303.3), dbSNP rs1015887121, ClinGen allele CA286371183.

ClinVar aggregate classification (germline): Uncertain significance (1 of 4 stars; one submission).

Allele frequency attached by ClinVar (database versions not stated): gnomAD 0.00005; TOPMed 0.00006.
gnomAD v4.1: 25 of 1,525,152 alleles (0.0016%); highest among the groups gnomAD compares: Middle Eastern, 0.018%; no homozygotes.

Submission:

Labcorp Genetics (formerly Invitae), Labcorp
Classification: Uncertain significance. Last evaluated: 2022-06-24. Review status: criteria provided, single submitter. Criteria: Invitae Variant Classification Sherloc (09022015). Collection method: clinical testing. Allele origin: germline.
Comment: This sequence change replaces arginine, which is basic and polar, with glutamine, which is neutral and polar, at codon 7 of the ZNF469 protein (p.Arg7Gln). This variant is present in population databases (no rsID available, gnomAD 0.03%). This variant has not been reported in the literature in individuals affected with ZNF469-related conditions. Algorithms developed to predict the effect of missense changes on protein structure and function (SIFT, PolyPhen-2, Align-GVGD) all suggest that this variant is likely to be tolerated. In summary, the available evidence is currently insufficient to determine the role of this variant in disease. Therefore, it has been classified as a Variant of Uncertain Significance.